The following is an entry in ClinVar:

ClinVar aggregate classification (germline): Uncertain significance (1 of 4 stars; one submission).

Conditions:
AHDC1-related disorder. Also called: AHDC1-related condition.

gnomAD v4.1: 1 of 1,612,682 alleles (0.000062%); highest among the groups gnomAD compares: Non-Finnish European, 0.000085%; no homozygotes.

Submission:

PreventionGenetics, part of Exact Sciences
Classification: Uncertain significance for AHDC1-related condition. Last evaluated: 2025-05-14. Review status: criteria provided, single submitter. Criteria: ACMG Guidelines, 2015. Collection method: clinical testing. Allele origin: germline.
Comment: The AHDC1 c.1573A>G variant is predicted to result in the amino acid substitution p.Asn525Asp. To our knowledge, this variant has not been reported in the literature or in a large population database (gnomAD), indicating this variant is rare. At this time, the clinical significance of this variant is uncertain due to the absence of conclusive functional and genetic evidence.

NM_001371928.1(AHDC1):c.1573A>G (p.Asn525Asp)

Gene: AHDC1 (AT-hook DNA binding motif containing 1; minus strand). Cytogenetic location: 1p36.11.
Variant type: single nucleotide variant.
Coding change: c.1573A>G on transcript NM_001371928.1 (MANE Select); coding-DNA position 1573, A replaced by G.
Protein change: p.Asn525Asp; replaces asparagine 525 with aspartic acid.
Molecular consequence: missense variant.
Genome position (GRCh38, 1-based): chr1:27,550,543, T>C on the plus strand (A>G on the coding strand, the complement: AHDC1 is on the minus strand). VCF-style: chr1-27550543-T-C. GRCh37 (hg19) VCF-style: chr1-27877054-T-C.
Other names: c.1573A>G, p.Asn525Asp (NM_001029882.3); short protein forms N525D.
Identifiers: ClinVar variation 5000192 (VCV005000192.1).